The following is an entry in ClinVar:

ClinVar aggregate classification (germline): Benign. Review status: criteria provided, single submitter (1 of 4 stars). 2 submissions from 1 submitter: Benign (2). Last evaluated 2018-01-12.

Conditions:
Chondrocalcinosis 2. Also called: CALCIUM GOUT; CALCIUM PYROPHOSPHATE ARTHROPATHY; Familial calcium pyrophosphate deposition. Identifiers: Orphanet 1416, MedGen C0856830, MONDO:0007319, OMIM 118600.
Craniometaphyseal dysplasia, autosomal dominant (CMDD). Identifiers: Orphanet 1522, MedGen C1852502, MONDO:0007397, OMIM 123000.

Allele frequency attached by ClinVar (database versions not stated): gnomAD 0.00001 and 0.00012; TOPMed 0.00004; 1000 Genomes Project 0.00060; 1000 Genomes Project 30x 0.00078.

Submissions (2):

Illumina Laboratory Services, Illumina
Classification: Benign for Chondrocalcinosis 2. Last evaluated: 2018-01-12. Review status: criteria provided, single submitter. Criteria: ICSL Variant Classification Criteria 13 December 2019. Collection method: clinical testing. Allele origin: germline.
Comment: This variant was observed in the ICSL laboratory as part of a predisposition screen in an ostensibly healthy population. It had not been previously curated by ICSL or reported in the Human Gene Mutation Database (HGMD: prior to June 1st, 2018), and was therefore a candidate for classification through an automated scoring system. Utilizing variant allele frequency, disease prevalence and penetrance estimates, and inheritance mode, an automated score was calculated to assess if this variant is too frequent to cause the disease. Based on the score and internal cut-off values, a variant classified as benign is not then subjected to further curation. The score for this variant resulted in a classification of benign for this disease.

Illumina Laboratory Services, Illumina
Classification: Benign for Craniometaphyseal dysplasia, autosomal dominant. Last evaluated: 2018-01-12. Review status: criteria provided, single submitter. Criteria: ICSL Variant Classification Criteria 13 December 2019. Collection method: clinical testing. Allele origin: germline.
Comment: the same text as in the submission from Illumina Laboratory Services, Illumina above.

NM_054027.6(ANKH):c.*2511C>T

Genes: ANKH (ANKH inorganic pyrophosphate transport regulator; minus strand), OTULIN (OTU deubiquitinase with linear linkage specificity; plus strand). Cytogenetic location: 5p15.2.
Variant type: single nucleotide variant.
Coding change: c.*2511C>T on transcript NM_054027.6 (MANE Select); 2511 bases downstream of the stop codon, C replaced by T.
Molecular consequence: 3 prime UTR variant.
Genome position (GRCh38, 1-based): chr5:14,708,686, G>A on the plus strand (C>T on the coding strand, the complement: ANKH is on the minus strand). VCF-style: chr5-14708686-G-A. GRCh37 (hg19) VCF-style: chr5-14708795-G-A.
Identifiers: ClinVar variation 351446 (VCV000351446.5), dbSNP rs575930682, ClinGen allele CA10623167.